The following is an entry in ClinVar:

ClinVar aggregate classification (germline): Pathogenic (3 of 4 stars; one submission).

Conditions:
Breast-ovarian cancer, familial, susceptibility to, 1 (BROVCA1). Also called: BRCA1 Hereditary Breast and Ovarian Cancer; OVARIAN CANCER, SUSCEPTIBILITY TO. Identifiers: Orphanet 145, MedGen C2676676, MONDO:0011450, OMIM 604370. Disease mechanism: loss of function.

Submission:

Evidence-based Network for the Interpretation of Germline Mutant Alleles (ENIGMA)
Classification: Pathogenic for Breast-ovarian cancer, familial, susceptibility to, 1. Last evaluated: 2017-12-15. Review status: reviewed by expert panel. Criteria: ENIGMA BRCA1/2 Classification Criteria (2017-06-29). Collection method: curation. Allele origin: germline. Study: ENIGMA.
Comment: Variant allele predicted to encode a truncated non-functional protein.

NM_007294.4(BRCA1):c.4070_4071insTTGA (p.Glu1357delinsAspTer)

Genes: BRCA1 (BRCA1 DNA repair associated; minus strand), LOC126862571 (BRD4-independent group 4 enhancer GRCh37_chr17:41243136-41244335; plus strand). Cytogenetic location: 17q21.31.
Variant type: Insertion.
Coding change: c.4070_4071insTTGA on transcript NM_007294.4 (MANE Select); coding-DNA positions 4070 to 4071, TTGA inserted.
Protein change: p.Glu1357delinsAspTer.
Molecular consequence: nonsense. On other transcripts: frameshift variant (1), intron variant (135).
Genome position: GRCh38 VCF-style: chr17-43091460-T-TTCAA. GRCh37 (hg19) VCF-style: chr17-41243477-T-TTCAA.
Other names: c.4070_4071insTTGA, p.Glu1357delinsAspTer (NM_007294.3, NM_001407581.1, NM_001407582.1 and 31 more transcripts); c.3857_3858insTTGA, p.Glu1286delinsAspTer (NM_001407571.1, NM_001407853.1, NM_001407894.1 and 9 more transcripts); c.4067_4068insTTGA, p.Glu1356delinsAspTer (NM_001407587.1, NM_001407590.1, NM_001407591.1 and 22 more transcripts); c.4061_4062insTTGA, p.Glu1354delinsAspTer (NM_001407646.1, NM_001407647.1); c.3947_3948insTTGA, p.Glu1316delinsAspTer (NM_001407648.1, NM_001407664.1, NM_001407665.1 and 19 more transcripts); c.3944_3945insTTGA, p.Glu1315delinsAspTer (NM_001407649.1, NM_001407670.1, NM_001407671.1 and 11 more transcripts); c.3992_3993insTTGA, p.Glu1331delinsAspTer (NM_001407653.1, NM_001407654.1, NM_001407655.1 and 4 more transcripts); c.3989_3990insTTGA, p.Glu1330delinsAspTer (NM_001407659.1, NM_001407660.1, NM_001407661.1 and 1 more transcripts); and 41 more.
Identifiers: ClinVar variation 548293 (VCV000548293.3), dbSNP rs1555586517, ClinGen allele CA658825031.